The following is an entry in ClinVar:

NM_004360.5(CDH1):c.1872_1878del (p.Pro625fs)

Gene: CDH1 (cadherin 1; plus strand). Cytogenetic location: 16q22.1.
Variant type: Deletion.
Coding change: c.1872_1878del on transcript NM_004360.5 (MANE Select); coding-DNA positions 1872 to 1878, 7 bases deleted (TCCCTTC; older notation c.1872_1878delTCCCTTC).
Protein change: p.Pro625fs; shifts the reading frame from proline 625.
Molecular consequence: frameshift variant. On other transcripts: 5 prime UTR variant (1).
Genome position (GRCh38, 1-based): chr16:68,822,161-68,822,167, TCCCTTC deleted; deleting any 7 consecutive bases within chr16:68,822,159-68,822,167 gives the same sequence; the c. name uses the placement nearest the transcript's 3' end. VCF-style (leftmost placement, unchanged base first): chr16-68822158-ATCTCCCT-A. GRCh37 (hg19) VCF-style: chr16-68856061-ATCTCCCT-A.
Other names: c.1689_1695del, p.Pro564fs (NM_001317184.2); c.324_330del, p.Pro109fs (NM_001317185.2); c.-94_-88del (NM_001317186.2); short protein forms P109fs, P564fs, P625fs.
Identifiers: ClinVar variation 4082382 (VCV004082382.1).

ClinVar aggregate classification (germline): Likely pathogenic (1 of 4 stars; one submission).

Conditions:
Hereditary breast ovarian cancer syndrome. Also called: BRCA1- and BRCA2-Associated Hereditary Breast and Ovarian Cancer; Hereditary breast and ovarian cancer; Hereditary breast and ovarian cancer syndrome (HBOC); Hereditary breast and/or ovarian cancer syndrome; Hereditary breast and ovarian cancer syndrome; Breast and ovarian cancer. Identifiers: Orphanet 145, MedGen C0677776, MeSH D061325, MONDO:0003582. Disease mechanism: loss of function.

Submission:

Genetics and Personalized Medicine Clinic, Tartu University Hospital
Classification: Likely pathogenic for Hereditary breast ovarian cancer syndrome. Last evaluated: 2023-01-01. Review status: criteria provided, single submitter. Criteria: ACMG Guidelines, 2015. Collection method: clinical testing. Allele origin: germline. Affected: no. Observed: 1 variant allele.
Comment: CDH1 c.1872_1878del (p.Pro625Glnfs*4) is a frameshift variant introducing a premature stop codon, likely leading to nonsense-mediated decay. Loss-of-function is a known mechanism for CDH1-associated hereditary diffuse gastric cancer.